The following is an entry in ClinVar:

ClinVar aggregate classification (germline): Uncertain significance (1 of 4 stars; one submission).

Conditions:
Autosomal dominant nonsyndromic hearing loss 6 (LFSNHL). Also called: DIDMOAD (Diabetes Insipidus, Diabetes Mellitus, Optic Atrophy, and Deafness); DEAFNESS, AUTOSOMAL DOMINANT 14; DEAFNESS, AUTOSOMAL DOMINANT 38; DEAFNESS, AUTOSOMAL DOMINANT 6; Autosomal dominant nonsyndromic deafness 6. Identifiers: Orphanet 90635, MedGen C1833021, MONDO:0010963, OMIM 600965.

Submission:

Victorian Clinical Genetics Services, Murdoch Childrens Research Institute
Classification: Uncertain significance for Autosomal dominant nonsyndromic hearing loss 6. Last evaluated: 2022-03-31. Review status: criteria provided, single submitter. Criteria: ACMG Guidelines, 2015. Collection method: clinical testing. Allele origin: germline. Inheritance: Autosomal dominant inheritance.
Comment: Based on the classification scheme VCGS_Germline_v1.3.4, this variant is classified as VUS-3B. Following criteria are met: 0102 - Loss of function is a known mechanism of disease in this gene and is associated with autosomal recessive Wolfram syndrome (MIM#222300). Dominant-negative is suggested for heterozygous missense variants causing autosomal dominant Wolfram-like syndrome (MIM#614296) (PMID: 32219690). (I) 0108 - This gene is associated with both recessive and dominant disease. Both deafness, autosomal dominant 6/14/38 (MIM#600965) and Wolfram-like syndrome (MIM#614296) are inherited in an autosomal dominant manner while Wolfram syndrome 1 (MIM#222300) is autosomal recessive. A clear-genotype-phenotype correlation is currently unestablished. (I) 0216 - In-frame insertion/deletion in a non-repetitive region that has low conservation. (SP) 0251 - This variant is heterozygous. (I) 0301 - Variant is absent from gnomAD (both v2 and v3). (SP) 0604 - Variant is not located in an established domain, motif, hotspot or informative constraint region. (I) 0705 - No comparable in-frame deletion variants have previous evidence for pathogenicity. (I) 0807 - This variant has no previous evidence of pathogenicity. (I) 0905 - No published segregation evidence has been identified for this variant. (I) 1007 - No published functional evidence has been identified for this variant. (I) 1208 - Inheritance information for this variant is not currently available in this individual. (I) Legend: (SP) - Supporting pathogenic, (I) - Information, (SB) - Supporting benign

Literature cited by the submitters: PubMed 32219690.

NM_006005.3(WFS1):c.1419_1427del (p.Met474_Leu476del)

Gene: WFS1 (wolframin ER transmembrane glycoprotein; plus strand). Cytogenetic location: 4p16.1.
Variant type: Deletion.
Coding change: c.1419_1427del on transcript NM_006005.3 (MANE Select); coding-DNA positions 1419 to 1427, 9 bases deleted (CATGCCCTT; older notation c.1419_1427delCATGCCCTT).
Protein change: p.Met474_Leu476del.
Genome position (GRCh38, 1-based): chr4:6,301,214-6,301,222, CATGCCCTT deleted. VCF-style (leftmost placement, unchanged base first): chr4-6301213-CCATGCCCTT-C. GRCh37 (hg19) VCF-style: chr4-6302940-CCATGCCCTT-C.
Other names: c.1419_1427del, p.Met474_Leu476del (NM_001145853.1); c.1419_1427delCATGCCCTT (NM_006005.3).
Identifiers: ClinVar variation 3377401 (VCV003377401.1).